The following is an entry in ClinVar:

ClinVar aggregate classification (germline): Benign/Likely benign. Review status: criteria provided, multiple submitters, no conflicts (2 of 4 stars). 4 submissions from 4 submitters: Benign (2); Likely benign (1). 1 of the submissions does not count toward it. Last evaluated 2025-12-17.

Conditions:
ARSG-related disorder. Also called: ARSG-related condition.

Allele frequency attached by ClinVar (database versions not stated): gnomAD 0.00001 and 0.00044; TOPMed 0.00008; gnomAD exomes 0.00072 and 0.00148; ExAC 0.00179; 1000 Genomes Project 30x 0.00250; 1000 Genomes Project 0.00260.
gnomAD v4.1: 1,131 of 1,613,970 alleles (0.07%); highest among the groups gnomAD compares: South Asian, 1.2%; 15 homozygotes.

Submissions (4):

Labcorp Genetics (formerly Invitae), Labcorp
Classification: Benign. Last evaluated: 2025-12-17. Review status: criteria provided, single submitter. Criteria: Invitae Variant Classification Sherloc (09022015). Collection method: clinical testing. Allele origin: germline.

Blueprint Genetics
Classification: Likely benign. Last evaluated: 2024-11-11. Review status: criteria provided, single submitter. Criteria: ACMG Guidelines, 2015. Collection method: clinical testing. Allele origin: germline.

Breakthrough Genomics
Classification: Benign. Review status: criteria provided, single submitter. Criteria: ACMG Guidelines, 2015. Collection method: not provided. Allele origin: germline. Inheritance: Autosomal recessive inheritance. Affected: yes.

PreventionGenetics, part of Exact Sciences
Classification: Benign for ARSG-related condition. Last evaluated: 2024-01-16. Review status: no assertion criteria provided. Collection method: clinical testing. Allele origin: germline. Not counted in ClinVar's aggregate classification.
Comment: This variant is classified as benign based on ACMG/AMP sequence variant interpretation guidelines (Richards et al. 2015 PMID: 25741868, with internal and published modifications).

NM_001267727.2(ARSG):c.903A>G (p.Gly301=)

Gene: ARSG (arylsulfatase G; plus strand). Cytogenetic location: 17q24.2.
Variant type: single nucleotide variant.
Coding change: c.903A>G on transcript NM_001267727.2 (MANE Select); coding-DNA position 903, A replaced by G.
Protein change: p.Gly301=; no amino-acid change (glycine 301 retained).
Molecular consequence: synonymous variant.
Genome position (GRCh38, 1-based): chr17:68,370,445, A>G. VCF-style: chr17-68370445-A-G. GRCh37 (hg19) VCF-style: chr17-66366586-A-G.
Other names: c.903A>G (NM_014960.4); c.903A>G, p.Gly301= (NM_001352899.2, NM_001352900.2, NM_001352901.2 and 3 more transcripts); c.900A>G, p.Gly300= (NM_001352903.2, NM_001352904.2, NM_001352905.2 and 2 more transcripts); c.855A>G, p.Gly285= (NM_001352909.2).
Identifiers: ClinVar variation 1167186 (VCV001167186.13), dbSNP rs111630893, ClinGen allele CA8728399.
Genomic context (GRCh38, chr17:68,370,445, plus strand): 5'-AGGGTCAGCGAAAGTGTCCAACCAGCCTGGTGACCATTAATGCTTTTTCTGGTTTCTAGG[A>G]GACAATGGCCCGTGGGCTCAGAAGTGTGAGCTAGCGGGCAGTGTGGGTCCCTTCACTGGA-3'
Protein context (NP_001254656.1, residues 291-311): VKENTFLWFT[Gly301=]DNGPWAQKCE